The following is an entry in ClinVar:

NM_005228.5(EGFR):c.607G>C (p.Gly203Arg)

Gene: EGFR (epidermal growth factor receptor; plus strand). Cytogenetic location: 7p11.2.
Variant type: single nucleotide variant.
Coding change: c.607G>C on transcript NM_005228.5 (MANE Select); coding-DNA position 607, G replaced by C.
Protein change: p.Gly203Arg; replaces glycine 203 with arginine.
Molecular consequence: missense variant. On other transcripts: intron variant (1).
Genome position (GRCh38, 1-based): chr7:55,151,341, G>C. VCF-style: chr7-55151341-G-C. GRCh37 (hg19) VCF-style: chr7-55219034-G-C.
Other names: c.89-4489G>C (NM_001346941.2); c.472G>C, p.Gly158Arg (NM_001346897.2, NM_001346899.2); c.607G>C, p.Gly203Arg (NM_001346898.2, NM_201282.2, NM_201283.2 and 1 more transcripts); c.448G>C, p.Gly150Arg (NM_001346900.2); short protein forms G158R, G150R, G203R.
Identifiers: ClinVar variation 4638904 (VCV004638904.1).

ClinVar aggregate classification (germline): Uncertain significance (1 of 4 stars; one submission).

Conditions:
Hereditary cancer-predisposing syndrome. Also called: Neoplastic Syndromes, Hereditary; Tumor predisposition; Hereditary Cancer Syndrome; Hereditary neoplastic syndrome. Identifiers: Orphanet 140162, MedGen C0027672, MeSH D009386, MONDO:0015356.

Submission:

Ambry Genetics
Classification: Uncertain significance for Hereditary cancer-predisposing syndrome. Last evaluated: 2025-10-22. Review status: criteria provided, single submitter. Criteria: Ambry Variant Classification Scheme 2023. Collection method: clinical testing. Allele origin: germline.
Comment: The p.G203R variant (also known as c.607G>C), located in coding exon 5 of the EGFR gene, results from a G to C substitution at nucleotide position 607. The glycine at codon 203 is replaced by arginine, an amino acid with dissimilar properties. This amino acid position is highly conserved in available vertebrate species. In addition, this alteration is predicted to be deleterious by in silico analysis. Based on the available evidence, the clinical significance of this variant remains unclear.